The following is an entry in ClinVar:

ClinVar aggregate classification (germline): Uncertain significance (1 of 4 stars; one submission).

Submission:

Labcorp Genetics (formerly Invitae), Labcorp
Classification: Uncertain significance. Last evaluated: 2021-04-11. Review status: criteria provided, single submitter. Criteria: Invitae Variant Classification Sherloc (09022015). Collection method: clinical testing. Allele origin: germline.
Comment: This sequence change creates a premature translational stop signal (p.Leu737*) in the RINT1 gene. While this is not anticipated to result in nonsense mediated decay, it is expected to disrupt the last 56 amino acid(s) of the RINT1 protein. This variant is not present in population databases (ExAC no frequency). In summary, the available evidence is currently insufficient to determine the role of this variant in disease. Therefore, it has been classified as a Variant of Uncertain Significance. Experimental studies and prediction algorithms are not available or were not evaluated, and the functional significance of this variant is currently unknown. This variant has not been reported in the literature in individuals with RINT1-related conditions.

NM_021930.6(RINT1):c.2210del (p.Val736_Leu737insTer)

Genes: EFCAB10 (EF-hand calcium binding domain 10; minus strand), RINT1 (RAD50 interactor 1; plus strand). Cytogenetic location: 7q22.3.
Variant type: Deletion.
Coding change: c.2210del on transcript NM_021930.6 (MANE Select); coding-DNA position 2210, one base deleted (T; older notation c.2210delT).
Protein change: p.Val736_Leu737insTer.
Molecular consequence: nonsense. On other transcripts: 3 prime UTR variant (2), non-coding transcript variant (1), intron variant (3).
Genome position (GRCh38, 1-based): chr7:105,567,142, T deleted; the last of 4 consecutive T bases (chr7:105,567,139-105,567,142); deleting any one gives the same sequence. VCF-style (leftmost placement, unchanged base first): chr7-105567138-GT-G. GRCh37 (hg19) VCF-style: chr7-105207585-GT-G.
Other names: c.*315del (NM_001355527.2, NM_001355529.2); c.1976del, p.Val658_Leu659insTer (NM_001346599.2); c.1187del, p.Val395_Leu396insTer (NM_001346600.2, NM_001346603.2); c.1286del, p.Val428_Leu429insTer (NM_001346601.2); c.360-1692del (NM_001355531.2); c.383+328del (NM_001355526.2, NM_001355530.2).
Identifiers: ClinVar variation 1525498 (VCV001525498.6), dbSNP rs2133495823, ClinGen allele CA2573141471.